The following is an entry in ClinVar:

NM_138694.4(PKHD1):c.8677dup (p.His2893fs)

Gene: PKHD1 (PKHD1 ciliary IPT domain containing fibrocystin/polyductin; minus strand). Cytogenetic location: 6p12.3.
Variant type: Duplication.
Coding change: c.8677dup on transcript NM_138694.4 (MANE Select); coding-DNA position 8677, one base duplicated (C; older notation c.8677dupC).
Protein change: p.His2893fs; shifts the reading frame from histidine 2893.
Molecular consequence: frameshift variant.
Genome position (GRCh38, 1-based): chr6:51,754,904, G duplicated on the plus strand (C on the coding strand, the reverse complement: PKHD1 is on the minus strand); the first of 5 consecutive G bases (chr6:51,754,904-51,754,908); duplicating any one gives the same sequence. VCF-style (leftmost placement, unchanged base first): chr6-51754903-T-TG. GRCh37 (hg19) VCF-style: chr6-51619701-T-TG.
Other names: c.8677dup, p.His2893fs (NM_170724.3); c.8677dupC (NM_138694.3); short protein forms H2893fs.
Identifiers: ClinVar variation 550537 (VCV000550537.10), dbSNP rs1554221465, ClinGen allele CA645546426.

ClinVar aggregate classification (germline): Pathogenic/Likely pathogenic. Review status: criteria provided, multiple submitters, no conflicts (2 of 4 stars). 4 submissions from 4 submitters: Pathogenic (1); Likely pathogenic (2). 1 of the submissions does not count toward it. Last evaluated 2024-04-12.

Conditions:
Polycystic kidney disease 4 (PKD4). Also called: POLYCYSTIC KIDNEY DISEASE 4 WITH OR WITHOUT POLYCYSTIC LIVER DISEASE; POLYCYSTIC KIDNEY AND HEPATIC DISEASE 1; POLYCYSTIC KIDNEY DISEASE, INFANTILE, TYPE I; PKD3; Autosomal Recessive Polycystic Kidney Disease – PKHD1. Identifiers: MedGen C4540575, MONDO:0033004, OMIM 263200.
Autosomal recessive polycystic kidney disease (ARPKD). Also called: AR polycystic kidney disease. Identifiers: Orphanet 731, Orphanet 8378, MedGen C0085548, MeSH D017044, MONDO:0009889.

Submissions (4):

Natera, Inc.
Classification: Likely pathogenic for Autosomal recessive polycystic kidney disease. Last evaluated: 2024-04-12. Review status: criteria provided, single submitter. Criteria: Natera Variant Classification Schema (03/2026). Collection method: clinical testing. Allele origin: germline.
Comment: The c.8677dupC variant in PKHD1 is a frameshift variant predicted to shift the reading frame beginning at codon 2893 and leads to a stop codon 2 codons downstream. This variant is expected to result in nonsense mediated decay, truncation, or a dysfunctional protein product. This variant is rare in the general population with a frequency below the threshold expected for the associated phenotype(s). Given the available evidence, this variant is classified as Likely Pathogenic.

Baylor Genetics
Classification: Likely pathogenic for Polycystic kidney disease 4. Last evaluated: 2023-06-21. Review status: criteria provided, single submitter. Criteria: ACMG Guidelines, 2015. Collection method: clinical testing. Allele origin: unknown.

Labcorp Genetics (formerly Invitae), Labcorp
Classification: Pathogenic for Autosomal recessive polycystic kidney disease. Last evaluated: 2018-05-23. Review status: criteria provided, single submitter. Criteria: Invitae Variant Classification Sherloc (09022015). Collection method: clinical testing. Allele origin: germline.
Comment: This variant is not present in population databases (ExAC no frequency). For these reasons, this variant has been classified as Pathogenic. Loss-of-function variants in PKHD1 are known to be pathogenic (PMID: 19940839). This variant has not been reported in the literature in individuals with PKHD1-related disease. This sequence change creates a premature translational stop signal (p.His2893Profs*2) in the PKHD1 gene. It is expected to result in an absent or disrupted protein product.

Counsyl
Classification: Likely pathogenic for Polycystic kidney disease 4. Last evaluated: 2017-01-30. Review status: no assertion criteria provided. Collection method: clinical testing. Allele origin: unknown. Not counted in ClinVar's aggregate classification.

Literature cited by the submitters: PubMed 19940839 (cited by Labcorp Genetics (formerly Invitae), Labcorp).